The following is an entry in ClinVar:

ClinVar aggregate classification (germline): Uncertain significance. Review status: criteria provided, multiple submitters, no conflicts (2 of 4 stars). 2 submissions from 2 submitters: Uncertain significance (2). Last evaluated 2025-05-31.

Conditions:
Hereditary cancer-predisposing syndrome. Also called: Neoplastic Syndromes, Hereditary; Hereditary Cancer Syndrome; Hereditary neoplastic syndrome; Tumor predisposition. Identifiers: Orphanet 140162, MedGen C0027672, MeSH D009386, MONDO:0015356.

gnomAD v4.1: 2 of 1,614,168 alleles (0.00012%); highest among the groups gnomAD compares: Non-Finnish European, 0.00017%; no homozygotes.

Submissions (2):

Ambry Genetics
Classification: Uncertain significance for Hereditary cancer-predisposing syndrome. Last evaluated: 2025-05-31. Review status: criteria provided, single submitter. Criteria: Ambry Variant Classification Scheme 2023. Collection method: clinical testing. Allele origin: germline.
Comment: The p.I621L variant (also known as c.1861A>C), located in coding exon 13 of the MSH3 gene, results from an A to C substitution at nucleotide position 1861. The isoleucine at codon 621 is replaced by leucine, an amino acid with highly similar properties. This amino acid position is conserved. In addition, this alteration is predicted to be tolerated by in silico analysis. Based on the available evidence, the clinical significance of this variant remains unclear.

Labcorp Genetics (formerly Invitae), Labcorp
Classification: Uncertain significance. Last evaluated: 2019-10-09. Review status: criteria provided, single submitter. Criteria: Invitae Variant Classification Sherloc (09022015). Collection method: clinical testing. Allele origin: germline.
Comment: In summary, the available evidence is currently insufficient to determine the role of this variant in disease. Therefore, it has been classified as a Variant of Uncertain Significance. Algorithms developed to predict the effect of missense changes on protein structure and function output the following: SIFT: "Tolerated"; PolyPhen-2: "Benign"; Align-GVGD: "Class C0". The leucine amino acid residue is found in multiple mammalian species, suggesting that this missense change does not adversely affect protein function. These predictions have not been confirmed by published functional studies and their clinical significance is uncertain. This variant has not been reported in the literature in individuals with MSH3-related conditions. This variant is not present in population databases (ExAC no frequency). This sequence change replaces isoleucine with leucine at codon 621 of the MSH3 protein (p.Ile621Leu). The isoleucine residue is weakly conserved and there is a small physicochemical difference between isoleucine and leucine.

NM_002439.5(MSH3):c.1861A>C (p.Ile621Leu)

Gene: MSH3 (mutS homolog 3; plus strand). Cytogenetic location: 5q14.1.
Variant type: single nucleotide variant.
Coding change: c.1861A>C on transcript NM_002439.5 (MANE Select); coding-DNA position 1861, A replaced by C.
Protein change: p.Ile621Leu; replaces isoleucine 621 with leucine.
Molecular consequence: missense variant.
Genome position (GRCh38, 1-based): chr5:80,761,643, A>C. VCF-style: chr5-80761643-A-C. GRCh37 (hg19) VCF-style: chr5-80057462-A-C.
Other names: c.1861A>C (NM_002439.3); short protein forms I621L.
Identifiers: ClinVar variation 934271 (VCV000934271.10), dbSNP rs1444622729, ClinGen allele CA360276669.
Genomic context (GRCh38, chr5:80,761,643, plus strand): 5'-CTCCATTCAGAATCTAGTGTGTTTGGTCAGATAGAAAATCATCTACGTAAATTGCCCGAC[A>C]TAGAGAGGGGACTCTGTAGCATTTATCACAAAAAAGTAAGTGTGATAGAAATCTATTAAA-3'
Protein context (NP_002430.3, residues 611-631): IENHLRKLPD[Ile621Leu]ERGLCSIYHK